The following is an entry in ClinVar:

NM_000474.4(TWIST1):c.328C>T (p.Arg110Trp)

Gene: TWIST1 (twist family bHLH transcription factor 1; minus strand). Cytogenetic location: 7p21.1.
Variant type: single nucleotide variant.
Coding change: c.328C>T on transcript NM_000474.4 (MANE Select); coding-DNA position 328, C replaced by T.
Protein change: p.Arg110Trp; replaces arginine 110 with tryptophan.
Molecular consequence: missense variant. On other transcripts: non-coding transcript variant (1).
Genome position (GRCh38, 1-based): chr7:19,116,994, G>A on the plus strand (C>T on the coding strand, the complement: TWIST1 is on the minus strand). VCF-style: chr7-19116994-G-A. GRCh37 (hg19) VCF-style: chr7-19156617-G-A.
Other names: short protein forms R110W.
Identifiers: ClinVar variation 643790 (VCV000643790.9), dbSNP rs1585617188, ClinGen allele CA367015672.

ClinVar aggregate classification (germline): Uncertain significance. Review status: criteria provided, multiple submitters, no conflicts (2 of 4 stars). 2 submissions from 2 submitters: Uncertain significance (2). Last evaluated 2025-09-13.

Conditions:
Sweeney-Cox syndrome. Identifiers: MedGen C4540299, MONDO:0060592, OMIM 617746.
Saethre-Chotzen syndrome (SCS). Also called: ACROCEPHALY, SKULL ASYMMETRY, AND MILD SYNDACTYLY; ACS III; CHOTZEN SYNDROME. Identifiers: Orphanet 794, MedGen C0175699, MONDO:0007042, OMIM 101400.
TWIST1-related craniosynostosis (CRS1). Also called: CRANIOSYNOSTOSIS 1. Identifiers: Orphanet 63440, MedGen C4551902, MONDO:0007399, OMIM 123100. Inheritance: Heterogenous inheritance pattern.

Submissions (2):

3billion
Classification: Uncertain significance for Sweeney-Cox syndrome. Last evaluated: 2025-09-13. Review status: criteria provided, single submitter. Criteria: ACMG Guidelines, 2015. Collection method: clinical testing. Allele origin: germline. Affected: yes.
Comment: The variant is observed at an extremely low frequency in the gnomAD v4.1.0 dataset (total allele frequency: <0.001%). Predicted Consequence/Location: The variant is located in a mutational hot spot and/or well-established functional domain in which established pathogenic variants have been reported (PMID: 21876555). In silico tool predictions suggest damaging effect of the variant on gene or gene product [REVEL: 0.93 (>=0.6, sensitivity 0.68 and specificity 0.92); 3Cnet: 0.60 (> 0.75, sensitivity 0.96 and precision 0.92)]. Different missense changes at the same codon (p.Arg110Gln, p.Arg110Pro) have been reported as pathogenic/likely pathogenic with strong evidence (ClinVar ID: VCV000426307, VCV003343959 /PMID: 33547006). Therefore, this variant is classified as VUS according to the recommendation of ACMG/AMP guideline.

Labcorp Genetics (formerly Invitae), Labcorp
Classification: Uncertain significance for TWIST1-related craniosynostosis; Saethre-Chotzen syndrome. Last evaluated: 2021-06-02. Review status: criteria provided, single submitter. Criteria: Invitae Variant Classification Sherloc (09022015). Collection method: clinical testing. Allele origin: germline.
Comment: In summary, the available evidence is currently insufficient to determine the role of this variant in disease. Therefore, it has been classified as a Variant of Uncertain Significance. This variant disrupts the p.Arg110 amino acid residue in TWIST1. Other variant(s) that disrupt this residue have been observed in individuals with TWIST1-related conditions (Invitae), suggesting that it is a clinically significant residue. As a result, variants that disrupt this residue are likely to be causative of disease. Algorithms developed to predict the effect of sequence changes on RNA splicing suggest that this variant may create or strengthen a splice site, but this prediction has not been confirmed by published transcriptional studies. Algorithms developed to predict the effect of missense changes on protein structure and function (SIFT, PolyPhen-2, Align-GVGD) all suggest that this variant is likely to be disruptive, but these predictions have not been confirmed by published functional studies and their clinical significance is uncertain. This variant has not been reported in the literature in individuals with TWIST1-related conditions. This variant is not present in population databases (ExAC no frequency). This sequence change replaces arginine with tryptophan at codon 110 of the TWIST1 protein (p.Arg110Trp). The arginine residue is highly conserved and there is a moderate physicochemical difference between arginine and tryptophan.

Literature cited by the submitters: PubMed 33547006 (cited by 3billion).